The following is an entry in ClinVar:

NM_013266.4(CTNNA3):c.1643C>T (p.Ala548Val)

Gene: CTNNA3 (catenin alpha 3; minus strand). Cytogenetic location: 10q21.3.
Variant type: single nucleotide variant.
Coding change: c.1643C>T on transcript NM_013266.4 (MANE Select); coding-DNA position 1643, C replaced by T.
Protein change: p.Ala548Val; replaces alanine 548 with valine.
Molecular consequence: missense variant.
Genome position (GRCh38, 1-based): chr10:66,379,241, G>A on the plus strand (C>T on the coding strand, the complement: CTNNA3 is on the minus strand). VCF-style: chr10-66379241-G-A. GRCh37 (hg19) VCF-style: chr10-68138999-G-A.
Other names: c.1643C>T, p.Ala548Val (NM_001127384.3); short protein forms A548V.
Identifiers: ClinVar variation 1777089 (VCV001777089.2), dbSNP rs761169306, ClinGen allele CA5519874.

ClinVar aggregate classification (germline): Uncertain significance (1 of 4 stars; one submission).

Allele frequency attached by ClinVar (database versions not stated): gnomAD 0.00003; ExAC 0.00014; gnomAD exomes 0.00016.
gnomAD v4.1: 102 of 1,614,144 alleles (0.0063%); highest among the groups gnomAD compares: South Asian, 0.11%; 4 homozygotes.

Submission:

Ambry Genetics
Classification: Uncertain significance. Last evaluated: 2021-12-13. Review status: criteria provided, single submitter. Criteria: Ambry Variant Classification Scheme 2023. Collection method: clinical testing. Allele origin: germline.
Comment: The p.A548V variant (also known as c.1643C>T), located in coding exon 11 of the CTNNA3 gene, results from a C to T substitution at nucleotide position 1643. The alanine at codon 548 is replaced by valine, an amino acid with similar properties. This amino acid position is conserved. In addition, this alteration is predicted to be tolerated by in silico analysis. Since supporting evidence is limited at this time, the clinical significance of this alteration remains unclear.